The following is an entry in ClinVar:

ClinVar aggregate classification (germline): Uncertain significance (1 of 4 stars; one submission).

Allele frequency attached by ClinVar (database versions not stated): gnomAD below 0.00001 and 0.00001; ExAC 0.00003; gnomAD exomes 0.00004 and 0.00009.
gnomAD v4.1: 33 of 412,770 alleles (0.008%); highest among the groups gnomAD compares: South Asian, 0.046%; no homozygotes.

Submission:

Laboratory for Molecular Medicine, Mass General Brigham Personalized Medicine
Classification: Uncertain significance. Last evaluated: 2016-07-19. Review status: criteria provided, single submitter. Criteria: LMM Criteria. Collection method: clinical testing. Allele origin: germline. Observed: 1 variant allele.
Comment: The c.411+6C>T variant in GIPC3 has not been previously reported in individuals with hearing loss, but it was identified in 4/16458 South Asian chromosomes by t he Exome Aggregation Consortium (ExAC; dbSNP rs7 64713230). Although this variant has been seen in the general population, its fr equency is not high enough to rule out a pathogenic role. This variant is locate d in the 5' splice region. Computational tools do not suggest an impact to splic ing. However, this information is not predictive enough to rule out pathogenicit y. In summary, the clinical significance of the c.411+6C>T variant is uncertain.

NM_133261.3(GIPC3):c.411+6C>T

Gene: GIPC3 (GIPC PDZ domain containing family member 3; plus strand). Cytogenetic location: 19p13.3.
Variant type: single nucleotide variant.
Coding change: c.411+6C>T on transcript NM_133261.3 (MANE Select); 6 bases into the intron after coding-DNA position 411, C replaced by T.
Molecular consequence: intron variant.
Genome position (GRCh38, 1-based): chr19:3,586,686, C>T. VCF-style: chr19-3586686-C-T. GRCh37 (hg19) VCF-style: chr19-3586684-C-T.
Identifiers: ClinVar variation 505222 (VCV000505222.4), dbSNP rs764713230, ClinGen allele CA9080385.